The following is an entry in ClinVar:

ClinVar aggregate classification (germline): Uncertain significance (1 of 4 stars; one submission).

Allele frequency attached by ClinVar (database versions not stated): gnomAD exomes below 0.00001.
gnomAD v4.1: 1 of 1,203,636 alleles (0.000083%); highest among the groups gnomAD compares: Admixed American, 0.0045%; no homozygotes.

Submission:

Labcorp Genetics (formerly Invitae), Labcorp
Classification: Uncertain significance. Last evaluated: 2022-07-27. Review status: criteria provided, single submitter. Criteria: Invitae Variant Classification Sherloc (09022015). Collection method: clinical testing. Allele origin: germline.
Comment: This sequence change replaces alanine, which is neutral and non-polar, with glycine, which is neutral and non-polar, at codon 66 of the GRIN2D protein (p.Ala66Gly). The frequency data for this variant in the population databases is considered unreliable, as metrics indicate insufficient coverage at this position in the gnomAD database. This variant has not been reported in the literature in individuals affected with GRIN2D-related conditions. Advanced modeling of protein sequence and biophysical properties (such as structural, functional, and spatial information, amino acid conservation, physicochemical variation, residue mobility, and thermodynamic stability) performed at Invitae indicates that this missense variant is not expected to disrupt GRIN2D protein function. In summary, the available evidence is currently insufficient to determine the role of this variant in disease. Therefore, it has been classified as a Variant of Uncertain Significance.

NM_000836.4(GRIN2D):c.197C>G (p.Ala66Gly)

Genes: GRIN2D (glutamate ionotropic receptor NMDA type subunit 2D; plus strand), LOC130064855 (ATAC-STARR-seq lymphoblastoid silent region 10879; plus strand). Cytogenetic location: 19q13.33.
Variant type: single nucleotide variant.
Coding change: c.197C>G on transcript NM_000836.4 (MANE Select); coding-DNA position 197, C replaced by G.
Protein change: p.Ala66Gly; replaces alanine 66 with glycine.
Molecular consequence: missense variant.
Genome position (GRCh38, 1-based): chr19:48,398,589, C>G. VCF-style: chr19-48398589-C-G. GRCh37 (hg19) VCF-style: chr19-48901846-C-G.
Other names: short protein forms A66G.
Identifiers: ClinVar variation 1713915 (VCV001713915.6), dbSNP rs2516062050, ClinGen allele CA406688484.